The following is an entry in ClinVar:

Conditions:
Breast-ovarian cancer, familial, susceptibility to, 1 (BROVCA1). Also called: BRCA1 Hereditary Breast and Ovarian Cancer; OVARIAN CANCER, SUSCEPTIBILITY TO. Identifiers: Orphanet 145, MedGen C2676676, MONDO:0011450, OMIM 604370. Disease mechanism: loss of function.

Submission:

Brotman Baty Institute, University of Washington
No classification provided (evidence only). Condition: Breast-ovarian cancer, familial 1. Review status: no classification provided. Collection method: in vitro. Allele origin: not applicable. Functional consequence: functionally_normal.
ClinVar note: "not provided" was previously submitted as the classification for the variant. However, the classification appeared to be based only on an observation of functional data so it was converted to no classification on 2025-07-30.

NM_007294.4(BRCA1):c.5565A>G (p.Ile1855Met)

Gene: BRCA1 (BRCA1 DNA repair associated; minus strand). Cytogenetic location: 17q21.31.
Variant type: single nucleotide variant.
Coding change: c.5565A>G on transcript NM_007294.4 (MANE Select); coding-DNA position 5565, A replaced by G.
Protein change: p.Ile1855Met; replaces isoleucine 1855 with methionine.
Molecular consequence: missense variant. On other transcripts: 3 prime UTR variant (1), non-coding transcript variant (1).
Genome position (GRCh38, 1-based): chr17:43,045,705, T>C on the plus strand (A>G on the coding strand, the complement: BRCA1 is on the minus strand). VCF-style: chr17-43045705-T-C. GRCh37 (hg19) VCF-style: chr17-41197722-T-C.
Other names: c.5352A>G, p.Ile1784Met (NM_001407571.1, NM_001407894.1, NM_001407895.1 and 12 more transcripts); c.5631A>G, p.Ile1877Met (NM_001407581.1, NM_001407582.1); c.5628A>G, p.Ile1876Met (NM_001407583.1, NM_001407585.1, NM_001407587.1 and 1 more transcripts); c.5625A>G, p.Ile1875Met (NM_001407590.1, NM_001407591.1); c.5565A>G, p.Ile1855Met (NM_001407593.1, NM_001407594.1, NM_001407596.1 and 5 more transcripts); c.5562A>G, p.Ile1854Met (NM_001407617.1, NM_001407618.1, NM_001407619.1 and 14 more transcripts); c.5559A>G, p.Ile1853Met (NM_001407636.1, NM_001407637.1, NM_001407638.1 and 13 more transcripts); c.5556A>G, p.Ile1852Met (NM_001407644.1, NM_001407645.1); and 74 more; short protein forms I751M, I1876M, I1808M, I1855M, I1701M, I1726M, I1771M, I1851M.
Identifiers: ClinVar variation 869059 (VCV000869059.3), dbSNP rs758449088, ClinGen allele CA10590194.
Genomic context (GRCh38, chr17:43,045,705, plus strand): 5'-GTCCTGTGGCTCTGTACCTGTGGCTGGCTGCAGTCAGTAGTGGCTGTGGGGGATCTGGGG[T>C]ATCAGGTAGGTGTCCAGCTCCTGGCACTGGTAGAGTGCTACACTGTCCAACACCCACTCT-3'
Protein context (NP_009225.1, residues 1845-1863): YQCQELDTYL[Ile1855Met]PQIPHSHY